The following is an entry in ClinVar:

NM_006302.3(MOGS):c.1276C>T (p.Pro426Ser)

Gene: MOGS (mannosyl-oligosaccharide glucosidase; minus strand). Cytogenetic location: 2p13.1.
Variant type: single nucleotide variant.
Coding change: c.1276C>T on transcript NM_006302.3 (MANE Select); coding-DNA position 1276, C replaced by T.
Protein change: p.Pro426Ser; replaces proline 426 with serine.
Molecular consequence: missense variant.
Genome position (GRCh38, 1-based): chr2:74,462,513, G>A on the plus strand (C>T on the coding strand, the complement: MOGS is on the minus strand). VCF-style: chr2-74462513-G-A. GRCh37 (hg19) VCF-style: chr2-74689640-G-A.
Other names: c.958C>T, p.Pro320Ser (NM_001146158.2); short protein forms P426S, P320S.
Identifiers: ClinVar variation 1960070 (VCV001960070.5), dbSNP rs1001503575, ClinGen allele CA50475378.

ClinVar aggregate classification (germline): Uncertain significance (1 of 4 stars; one submission).

Conditions:
MOGS-congenital disorder of glycosylation. Also called: CDG IIb; MOGS-CDG; GLUCOSIDASE I DEFICIENCY; CDG 2B. Identifiers: Orphanet 79330, MedGen C1853736, MONDO:0011629, OMIM 606056.

Allele frequency attached by ClinVar (database versions not stated): gnomAD exomes below 0.00001.
gnomAD v4.1: 1 of 1,607,744 alleles (0.000062%); highest among the groups gnomAD compares: Non-Finnish European, 0.000085%; no homozygotes.

Submission:

Labcorp Genetics (formerly Invitae), Labcorp
Classification: Uncertain significance for MOGS-congenital disorder of glycosylation. Last evaluated: 2022-03-14. Review status: criteria provided, single submitter. Criteria: Invitae Variant Classification Sherloc (09022015). Collection method: clinical testing. Allele origin: germline.
Comment: In summary, the available evidence is currently insufficient to determine the role of this variant in disease. Therefore, it has been classified as a Variant of Uncertain Significance. Algorithms developed to predict the effect of missense changes on protein structure and function are either unavailable or do not agree on the potential impact of this missense change (SIFT: "Tolerated"; PolyPhen-2: "Probably Damaging"; Align-GVGD: "Class C0"). This variant has not been reported in the literature in individuals affected with MOGS-related conditions. This variant is not present in population databases (gnomAD no frequency). This sequence change replaces proline, which is neutral and non-polar, with serine, which is neutral and polar, at codon 426 of the MOGS protein (p.Pro426Ser).